The following is an entry in ClinVar:

NM_002439.5(MSH3):c.2786T>C (p.Ile929Thr)

Gene: MSH3 (mutS homolog 3; plus strand). Cytogenetic location: 5q14.1.
Variant type: single nucleotide variant.
Coding change: c.2786T>C on transcript NM_002439.5 (MANE Select); coding-DNA position 2786, T replaced by C.
Protein change: p.Ile929Thr; replaces isoleucine 929 with threonine.
Molecular consequence: missense variant.
Genome position (GRCh38, 1-based): chr5:80,813,714, T>C. VCF-style: chr5-80813714-T-C. GRCh37 (hg19) VCF-style: chr5-80109533-T-C.
Other names: short protein forms I929T.
Identifiers: ClinVar variation 656129 (VCV000656129.13), dbSNP rs764871098, ClinGen allele CA3328358.

ClinVar aggregate classification (germline): Uncertain significance. Review status: criteria provided, multiple submitters, no conflicts (2 of 4 stars). 3 submissions from 3 submitters: Uncertain significance (3). Last evaluated 2025-10-23.

Conditions:
Hereditary cancer-predisposing syndrome. Also called: Hereditary neoplastic syndrome; Tumor predisposition; Neoplastic Syndromes, Hereditary; Hereditary Cancer Syndrome. Identifiers: Orphanet 140162, MedGen C0027672, MeSH D009386, MONDO:0015356.
Endometrial carcinoma. Also called: Endometrial carcinoma, somatic. Identifiers: MedGen C0476089, MONDO:0002447, OMIM 608089, HP:0012114.

Allele frequency attached by ClinVar (database versions not stated): TOPMed below 0.00001; gnomAD 0.00002 and 0.00001; ExAC 0.00003; gnomAD exomes 0.00002 and 0.00004.
gnomAD v4.1: 31 of 1,613,972 alleles (0.0019%); highest among the groups gnomAD compares: South Asian, 0.024%; no homozygotes.

Submissions (3):

Labcorp Genetics (formerly Invitae), Labcorp
Classification: Uncertain significance. Last evaluated: 2025-10-23. Review status: criteria provided, single submitter. Criteria: Invitae Variant Classification Sherloc (09022015). Collection method: clinical testing. Allele origin: germline.
Comment: This sequence change replaces isoleucine, which is neutral and non-polar, with threonine, which is neutral and polar, at codon 929 of the MSH3 protein (p.Ile929Thr). This variant is present in population databases (rs764871098, gnomAD 0.03%). This variant has not been reported in the literature in individuals affected with MSH3-related conditions. ClinVar contains an entry for this variant (Variation ID: 656129). An algorithm developed to predict the effect of missense changes on protein structure and function (PolyPhen-2) suggests that this variant is likely to be disruptive. In summary, the available evidence is currently insufficient to determine the role of this variant in disease. Therefore, it has been classified as a Variant of Uncertain Significance.

Ambry Genetics
Classification: Uncertain significance for Hereditary cancer-predisposing syndrome. Last evaluated: 2025-03-01. Review status: criteria provided, single submitter. Criteria: Ambry Variant Classification Scheme 2023. Collection method: clinical testing. Allele origin: germline.
Comment: The p.I929T variant (also known as c.2786T>C), located in coding exon 20 of the MSH3 gene, results from a T to C substitution at nucleotide position 2786. The isoleucine at codon 929 is replaced by threonine, an amino acid with similar properties. This alteration has been detected in an individual with a personal and family history of prostate cancer (Nicolas E et al. Oncotarget, 2015 Nov;6:39614-33). This amino acid position is not well conserved in available vertebrate species. In addition, the in silico prediction for this alteration is inconclusive. Since supporting evidence is limited at this time, the clinical significance of this alteration remains unclear.

Baylor Genetics
Classification: Uncertain significance for Endometrial carcinoma. Last evaluated: 2023-10-22. Review status: criteria provided, single submitter. Criteria: ACMG Guidelines, 2015. Collection method: clinical testing. Allele origin: unknown.

Literature cited by the submitters: PubMed 26485759 (cited by Ambry Genetics).